The following is an entry in ClinVar:

NM_020937.4(FANCM):c.5364_5367dup (p.Thr1790Ter)

Gene: FANCM (FA complementation group M; plus strand). Cytogenetic location: 14q21.2.
Variant type: Duplication.
Coding change: c.5364_5367dup on transcript NM_020937.4 (MANE Select); coding-DNA positions 5364 to 5367, 4 bases duplicated (TAGC; older notation c.5364_5367dupTAGC).
Protein change: p.Thr1790Ter; replaces threonine 1790 with a stop codon.
Molecular consequence: nonsense.
Genome position (GRCh38, 1-based): chr14:45,196,195-45,196,198, TAGC duplicated; duplicating any 4 consecutive bases within chr14:45,196,194-45,196,198 gives the same sequence; the c. name uses the placement nearest the transcript's 3' end. VCF-style (leftmost placement, unchanged base first): chr14-45196193-T-TCTAG. GRCh37 (hg19) VCF-style: chr14-45665396-T-TCTAG.
Other names: c.5286_5289dup, p.Thr1764Ter (NM_001308133.2); short protein forms T1764*, T1790*.
Identifiers: ClinVar variation 1211449 (VCV001211449.8), dbSNP rs1324635932, ClinGen allele CA614273111.
Genomic context (GRCh38, chr14:45,196,193, plus strand): 5'-ATTTAACCTGAATGTGACCAGTGTTTTCCACTTTTTCAGGATGGTAGTGCTTTGGAGGAT[T>TCTAG]CTAGCACTTCAGGGGCATCCTGTTCCAAGTCAAGACCACATTTAGCTGGGACACATACTT-3'

ClinVar aggregate classification (germline): Pathogenic/Likely pathogenic. Review status: criteria provided, multiple submitters, no conflicts (2 of 4 stars). 2 submissions from 2 submitters: Pathogenic (1); Likely pathogenic (1). Last evaluated 2025-02-03.

Conditions:
Fanconi anemia (FA). Also called: Fanconi's anemia. Identifiers: Orphanet 84, MedGen C0015625, MeSH D005199, MONDO:0019391.

Submissions (2):

Labcorp Genetics (formerly Invitae), Labcorp
Classification: Pathogenic for Fanconi anemia. Last evaluated: 2025-02-03. Review status: criteria provided, single submitter. Criteria: Invitae Variant Classification Sherloc (09022015). Collection method: clinical testing. Allele origin: germline.
Comment: This sequence change creates a premature translational stop signal (p.Thr1790*) in the FANCM gene. It is expected to result in an absent or disrupted protein product. Loss-of-function variants in FANCM are known to be pathogenic (PMID: 29895858, 30075111). This variant is present in population databases (no rsID available, gnomAD 0.008%). This variant has not been reported in the literature in individuals affected with FANCM-related conditions. ClinVar contains an entry for this variant (Variation ID: 1211449). For these reasons, this variant has been classified as Pathogenic.

GeneDx
Classification: Likely pathogenic. Last evaluated: 2023-08-11. Review status: criteria provided, single submitter. Criteria: GeneDx Variant Classification Process June 2021. Collection method: clinical testing. Allele origin: germline. Affected: yes.
Comment: Nonsense variant predicted to result in protein truncation or nonsense mediated decay in a gene for which loss-of-function is a known mechanism of disease; Not observed at significant frequency in large population cohorts (gnomAD); Has not been previously published as pathogenic or benign to our knowledge

Literature cited by the submitters: PubMed 29895858 (cited by Labcorp Genetics (formerly Invitae), Labcorp); PubMed 30075111 (cited by Labcorp Genetics (formerly Invitae), Labcorp).